The following is an entry in ClinVar:

ClinVar aggregate classification (germline): Conflicting classifications of pathogenicity. Review status: criteria provided, conflicting classifications (1 of 4 stars). 11 submissions from 11 submitters: Pathogenic (4); Likely pathogenic (5); Uncertain significance (1). 1 of the submissions does not count toward it. Last evaluated 2026-06-24.

Conditions:
PKD1-related disorder. Also called: PKD1-related condition.
Polycystic kidney disease, adult type (PKD1). Also called: POLYCYSTIC KIDNEY DISEASE 1 WITH OR WITHOUT POLYCYSTIC LIVER DISEASE; POLYCYSTIC KIDNEY DISEASE, ADULT, TYPE I; Polycystic Kidney Disease 1, Autosomal Dominant; Polycystic kidney disease 1; Polycystic kidney disease 1, severe; Polycystic Kidney, Autosomal Dominant. Identifiers: MedGen C3149841, MONDO:0008263, OMIM 173900.

Allele frequency attached by ClinVar (database versions not stated): TOPMed below 0.00001.

Submissions (11):

Women's Health and Genetics/Laboratory Corporation of America, LabCorp
Classification: Pathogenic for Polycystic kidney disease, adult type. Last evaluated: 2026-06-24. Review status: criteria provided, single submitter. Criteria: LabCorp Variant Classification Summary - May 2015. Collection method: clinical testing. Allele origin: germline.
Comment: Variant summary: PKD1 c.5995G>A (p.Gly1999Ser) results in a non-conservative amino acid change located in the PKD domain (IPR000601) of the encoded protein sequence. Algorithms developed to predict the effect of missense changes on protein structure and function are either unavailable or do not agree on the potential impact of this missense change. The variant was absent in 240098 control chromosomes. c.5995G>A has been observed in multiple individuals affected with Polycystic Kidney Disease 1 and has been found to segregate with disease in at least one family (e.g. Rossetti_2007, Obeidova_2014, Kurashige_2015, Yu_2022, Lindemann_2023, Cristalli_2025). These data indicate that the variant is very likely to be associated with disease. To our knowledge, no experimental evidence demonstrating an impact on protein function has been reported. The following publications have been ascertained in the context of this evaluation (PMID: 40428294, 37509056, 24611717, 36938073, 24694054, 17582161, 35778421). ClinVar contains an entry for this variant (Variation ID: 976316). Based on the evidence outlined above, the variant was classified as pathogenic.

Institute of Human Genetics, University of Leipzig Medical Center
Classification: Likely pathogenic for Polycystic kidney disease, adult type. Last evaluated: 2026-06-01. Review status: criteria provided, single submitter. Criteria: ACMG Guidelines, 2015. Collection method: clinical testing. Allele origin: unknown. Inheritance: Autosomal dominant inheritance. Affected: yes.
Comment: Criteria applied: PM2,PP1_STR,PS4_MOD

GeneDx
Classification: Likely pathogenic. Last evaluated: 2025-05-21. Review status: criteria provided, single submitter. Criteria: GeneDx Variant Classification Process June 2021. Collection method: clinical testing. Allele origin: germline. Affected: yes.
Comment: Not observed at significant frequency in large population cohorts (gnomAD); In silico analysis supports that this missense variant has a deleterious effect on protein structure/function; This variant is associated with the following publications: (PMID: 17582161, 22383692, 36938073, 24611717, 35778421, 24694054, 37509056)

Victorian Clinical Genetics Services, Murdoch Childrens Research Institute
Classification: Pathogenic for Polycystic kidney disease, adult type. Last evaluated: 2024-09-20. Review status: criteria provided, single submitter. Criteria: ACMG Guidelines, 2015. Collection method: clinical testing. Allele origin: germline. Inheritance: Autosomal dominant inheritance. Affected: yes.
Comment: Based on the classification scheme VCGS_Germline_v1.3.4, this variant is classified as Pathogenic. Following criteria are met: 0102 - Loss of function is a known mechanism of disease in this gene and is associated with polycystic kidney disease 1 (MIM#173900). (I) 0107 - This gene is associated with autosomal dominant disease. Polycystic kidney disease 1 (MIM#173900) is predominantly caused by monoallelic variants, with rare reports of biallelic variants causing disease (OMIM). (I) 0200 - Variant is predicted to result in a missense amino acid change from glycine to serine. (I) 0251 - This variant is heterozygous. (I) 0301 - Variant is absent from gnomAD (both v2 and v3). (SP) 0502 - Missense variant with conflicting in silico predictions and uninformative conservation. (I) 0600 - Variant is located in the annotated PKD domain (DECIPHER). (I) 0703 - Other missense variants comparable to the one identified in this case have moderate previous evidence for pathogenicity. The variants p.(Gly1999Val) and p.(Gly1999Ala) have been classified as likely pathogenic (pkdb, PMID: 17582161). (SP) 0801 - This variant has strong previous evidence of pathogenicity in unrelated individuals. This variant has been classified as likely pathogenic by clinical laboratories in ClinVar, and has been observed in multiple families with polycystic kidney disease (PMIDs: 17582161, 35778421, 24694054, VCGS laboratory). This variant has also been classified once as a VUS in ClinVar. (SP) 1208 - Inheritance information for this variant is not currently available in this individual. (I) Legend: (SP) - Supporting pathogenic, (I) - Information, (SB) - Supporting benign

Genomic Medicine Center of Excellence, King Faisal Specialist Hospital and Research Centre
Classification: Pathogenic for Polycystic kidney disease, adult type. Last evaluated: 2024-04-04. Review status: criteria provided, single submitter. Criteria: ACMG Guidelines, 2015. Collection method: clinical testing. Allele origin: germline.

Fulgent Genetics
Classification: Likely pathogenic for Polycystic kidney disease, adult type. Last evaluated: 2024-03-22. Review status: criteria provided, single submitter. Criteria: ACMG Guidelines, 2015. Collection method: clinical testing. Allele origin: germline.

Blueprint Genetics
Classification: Pathogenic for PKD1-related disorders. Last evaluated: 2023-12-21. Review status: criteria provided, single submitter. Criteria: ACMG Guidelines, 2015. Collection method: clinical testing. Allele origin: germline. Affected: yes. Observed: 5 variant alleles.

University of Iowa Renal Genetics Clinic, University of Iowa
Classification: Likely pathogenic for Polycystic kidney disease, adult type. Last evaluated: 2023-01-31. Review status: criteria provided, single submitter. Criteria: ACMG Guidelines, 2015. Collection method: clinical testing. Allele origin: germline. Inheritance: Autosomal dominant inheritance. Affected: yes. Observed: 2 heterozygotes. Clinical features observed: Polycystic kidney disease (HP:0000113).
Comment: ACMG pathogenicity criteria PM2, PP1, PP3, PP5. This variant has been previously described in two patients with autosomal dominant polycystic kidney disease (Rossetti, S., et al, J Am Soc Nephrol. 2012 May;23(5):915-33 and Rossetti, S., et al, J Am Soc Nephrol. 2007 Jul;18(7):2143-60) and also segregating in three affected family members (Obeidova, L., et al, BMC Med Genet. 2014 Apr 3;15:41). This variant has not been reported by the Genome Aggregation Database (gnomAD); it is predicted to be pathogenic by 5 of 6 pathogenicity methods (PhyloP, SIFT, LRT, Polyphen HDIV, Mutation Taster, and GERP). We have identified this variant within two affected individuals with PKD who are fourth-degree relatives and also have a significant family history of intracranial aneurysms.

Department of Pathology and Laboratory Medicine, Sinai Health System
Classification: Uncertain significance for Polycystic kidney disease, adult type. Last evaluated: 2021-08-11. Review status: criteria provided, single submitter. Criteria: ACMG Guidelines, 2015. Collection method: clinical testing. Allele origin: germline. Affected: yes.

Juno Genomics, Hangzhou Juno Genomics, Inc
Classification: Likely pathogenic for Polycystic kidney disease, adult type. Review status: criteria provided, single submitter. Criteria: ACMG Guidelines, 2015. Collection method: clinical testing. Allele origin: germline. Affected: yes.
Comment: Absent from controls (or at extremely low frequency if recessive) in Genome Aggregation Database.;The prevalence of the variant in affected individuals is significantly increased compared to the prevalence in controls.;Patient's phenotype or family history is highly specific for a disease with a single genetic etiology.;Co-segregation with disease in multiple affected family members.

PreventionGenetics, part of Exact Sciences
Classification: Pathogenic for PKD1-related condition. Last evaluated: 2024-08-28. Review status: no assertion criteria provided. Collection method: clinical testing. Allele origin: germline. Not counted in ClinVar's aggregate classification.
Comment: The PKD1 c.5995G>A variant is predicted to result in the amino acid substitution p.Gly1999Ser. This variant has been widely reported in individuals with autosomal dominant polycystic kidney disease (ADPKD) (see for example, Rossetti et al. 2012. PubMed ID: 22383692; Obeidova et al. 2014. PubMed ID: 24694054; Rossetti et al. 2007. PubMed ID: 17582161). Of note, different substitutions at the same codon have also been documented as “highly likely pathogenic”. In addition, this variant has been found in multiple patients tested for polycystic kidney disease at PreventionGenetics (internal data). This variant has not been reported in a large population database, indicating this variant is rare. This variant is interpreted as pathogenic.

Literature cited by the submitters: PubMed 35778421 (cited by Women's Health and Genetics/Laboratory Corporation of America, LabCorp and Victorian Clinical Genetics Services, Murdoch Childrens Research Institute); PubMed 24611717 (cited by Women's Health and Genetics/Laboratory Corporation of America, LabCorp); PubMed 36938073 (cited by Women's Health and Genetics/Laboratory Corporation of America, LabCorp); PubMed 24694054 (cited by Women's Health and Genetics/Laboratory Corporation of America, LabCorp and Victorian Clinical Genetics Services, Murdoch Childrens Research Institute); PubMed 17582161 (cited by Women's Health and Genetics/Laboratory Corporation of America, LabCorp and Victorian Clinical Genetics Services, Murdoch Childrens Research Institute); PubMed 37509056 (cited by Women's Health and Genetics/Laboratory Corporation of America, LabCorp); PubMed 40428294 (cited by Women's Health and Genetics/Laboratory Corporation of America, LabCorp); PubMed 22383692 (cited by Department of Pathology and Laboratory Medicine, Sinai Health System).

NM_001009944.3(PKD1):c.5995G>A (p.Gly1999Ser)

Gene: PKD1 (polycystin 1, transient receptor potential channel interacting; minus strand). Cytogenetic location: 16p13.3.
Variant type: single nucleotide variant.
Coding change: c.5995G>A on transcript NM_001009944.3 (MANE Select); coding-DNA position 5995, G replaced by A.
Protein change: p.Gly1999Ser; replaces glycine 1999 with serine.
Molecular consequence: missense variant.
Genome position (GRCh38, 1-based): chr16:2,109,172, C>T on the plus strand (G>A on the coding strand, the complement: PKD1 is on the minus strand). VCF-style: chr16-2109172-C-T. GRCh37 (hg19) VCF-style: chr16-2159173-C-T.
Other names: c.5995G>A, p.Gly1999Ser (NM_000296.4); short protein forms G1999S.
Identifiers: ClinVar variation 976316 (VCV000976316.23), dbSNP rs2092437527, ClinGen allele CA394374789.